The following is an entry in ClinVar:

NM_004006.3(DMD):c.10195A>G (p.Thr3399Ala)

Gene: DMD (dystrophin; minus strand). Cytogenetic location: Xp21.2.
Variant type: single nucleotide variant.
Coding change: c.10195A>G on transcript NM_004006.3 (MANE Select); coding-DNA position 10195, A replaced by G.
Protein change: p.Thr3399Ala; replaces threonine 3399 with alanine.
Molecular consequence: missense variant.
Genome position (GRCh38, 1-based): chrX:31,178,697, T>C on the plus strand (A>G on the coding strand, the complement: DMD is on the minus strand). VCF-style: chrX-31178697-T-C. GRCh37 (hg19) VCF-style: chrX-31196814-T-C.
Other names: c.10171A>G, p.Thr3391Ala (NM_000109.4); c.10183A>G, p.Thr3395Ala (NM_004009.3); c.9826A>G, p.Thr3276Ala (NM_004010.3); c.6172A>G, p.Thr2058Ala (NM_004011.4); c.6163A>G, p.Thr2055Ala (NM_004012.4); c.2815A>G, p.Thr939Ala (NM_004013.3, NM_004020.4, NM_004021.3 and 2 more transcripts); c.2008A>G, p.Thr670Ala (NM_004014.3); c.991A>G, p.Thr331Ala (NM_004015.3, NM_004016.3, NM_004017.3 and 2 more transcripts); short protein forms T2055A, T3395A, T3391A, T3276A, T3399A, T670A, T2058A, T331A.
Identifiers: ClinVar variation 2706967 (VCV002706967.3), dbSNP rs1370666237, ClinGen allele CA412652731.

ClinVar aggregate classification (germline): Uncertain significance (1 of 4 stars; one submission).

Conditions:
Duchenne muscular dystrophy (DMD). Also called: MUSCULAR DYSTROPHY, PSEUDOHYPERTROPHIC PROGRESSIVE, DUCHENNE TYPE; Duchenne Muscular Dystrophy (DMD). Identifiers: Orphanet 98896, MedGen C0013264, MONDO:0010679, OMIM 310200.

Allele frequency attached by ClinVar (database versions not stated): gnomAD exomes below 0.00001.
gnomAD v4.1: 1 of 1,211,419 alleles (0.000083%); no homozygotes.

Submission:

Labcorp Genetics (formerly Invitae), Labcorp
Classification: Uncertain significance for Duchenne muscular dystrophy. Last evaluated: 2024-01-11. Review status: criteria provided, single submitter. Criteria: Invitae Variant Classification Sherloc (09022015). Collection method: clinical testing. Allele origin: germline.
Comment: This sequence change replaces threonine, which is neutral and polar, with alanine, which is neutral and non-polar, at codon 3399 of the DMD protein (p.Thr3399Ala). This variant is present in population databases (no rsID available, gnomAD 0.006%). This variant has not been reported in the literature in individuals affected with DMD-related conditions. Advanced modeling of protein sequence and biophysical properties (such as structural, functional, and spatial information, amino acid conservation, physicochemical variation, residue mobility, and thermodynamic stability) performed at Invitae indicates that this missense variant is not expected to disrupt DMD protein function with a negative predictive value of 95%. In summary, the available evidence is currently insufficient to determine the role of this variant in disease. Therefore, it has been classified as a Variant of Uncertain Significance.